The following is an entry in ClinVar:

ClinVar aggregate classification (germline): Likely pathogenic (1 of 4 stars; one submission).

Conditions:
Usher syndrome type 1 (USH1). Also called: RETINITIS PIGMENTOSA AND CONGENITAL DEAFNESS. Identifiers: Orphanet 231169, Orphanet 886, MedGen C1568247, MONDO:0010168, OMIM 276900.

Submission:

3billion
Classification: Likely pathogenic for Usher syndrome type 1. Last evaluated: 2022-05-22. Review status: criteria provided, single submitter. Criteria: ACMG Guidelines, 2015. Collection method: clinical testing. Allele origin: germline. Affected: yes. Observed: 1 heterozygote.
Comment: The variant is not observed in the gnomAD v2.1.1 dataset. Frameshift: predicted to result in a loss or disruption of normal protein function through nonsense-mediated decay (NMD) or protein truncation. Multiple pathogenic variants are reported downstream of the variant. Therefore, this variant is classified as likely pathogenic according to the recommendation of ACMG/AMP guideline.

NM_000260.4(MYO7A):c.1804del (p.Glu602fs)

Gene: MYO7A (myosin VIIA; plus strand). Cytogenetic location: 11q13.5.
Variant type: Deletion.
Coding change: c.1804del on transcript NM_000260.4 (MANE Select); coding-DNA position 1804, one base deleted (G; older notation c.1804delG).
Protein change: p.Glu602fs; shifts the reading frame from glutamic acid 602.
Molecular consequence: frameshift variant.
Genome position (GRCh38, 1-based): chr11:77,172,754, G deleted. VCF-style (leftmost placement, unchanged base first): chr11-77172753-CG-C. GRCh37 (hg19) VCF-style: chr11-76883799-CG-C.
Other names: c.1804del, p.Glu602fs (NM_001127180.2); c.1771del, p.Glu591fs (NM_001369365.1); short protein forms E591fs, E602fs.
Identifiers: ClinVar variation 1687591 (VCV001687591.1), dbSNP rs2135406368, ClinGen allele CA2573147691.